The following is an entry in ClinVar:

NM_005045.4(RELN):c.883A>G (p.Ile295Val)

Gene: RELN (reelin; minus strand). Cytogenetic location: 7q22.1.
Variant type: single nucleotide variant.
Coding change: c.883A>G on transcript NM_005045.4 (MANE Select); coding-DNA position 883, A replaced by G.
Protein change: p.Ile295Val; replaces isoleucine 295 with valine.
Molecular consequence: missense variant.
Genome position (GRCh38, 1-based): chr7:103,700,929, T>C on the plus strand (A>G on the coding strand, the complement: RELN is on the minus strand). VCF-style: chr7-103700929-T-C. GRCh37 (hg19) VCF-style: chr7-103341376-T-C.
Other names: c.883A>G, p.Ile295Val (NM_173054.3); short protein forms I295V.
Identifiers: ClinVar variation 1008487 (VCV001008487.8), dbSNP rs1834076706, ClinGen allele CA368927977.

ClinVar aggregate classification (germline): Uncertain significance (1 of 4 stars; one submission).

Conditions:
Norman-Roberts syndrome (LIS2). Also called: Lissencephaly 2 (Norman-Roberts type). Identifiers: Orphanet 89844, MedGen C0796089, MONDO:0009760, OMIM 257320.
Familial temporal lobe epilepsy 7. Identifiers: Orphanet 101046, MedGen C4225327, MONDO:0014639, OMIM 616436.

Allele frequency attached by ClinVar (database versions not stated): gnomAD exomes 0.00001.
gnomAD v4.1: 6 of 1,607,570 alleles (0.00037%); highest among the groups gnomAD compares: Non-Finnish European, 0.00051%; no homozygotes.

Submission:

Labcorp Genetics (formerly Invitae), Labcorp
Classification: Uncertain significance for Familial temporal lobe epilepsy 7; Norman-Roberts syndrome. Last evaluated: 2020-02-27. Review status: criteria provided, single submitter. Criteria: Invitae Variant Classification Sherloc (09022015). Collection method: clinical testing. Allele origin: germline.
Comment: In summary, the available evidence is currently insufficient to determine the role of this variant in disease. Therefore, it has been classified as a Variant of Uncertain Significance. Algorithms developed to predict the effect of missense changes on protein structure and function (SIFT, PolyPhen-2, Align-GVGD) all suggest that this variant is likely to be tolerated, but these predictions have not been confirmed by published functional studies and their clinical significance is uncertain. This variant has not been reported in the literature in individuals with RELN-related conditions. This variant is not present in population databases (ExAC no frequency). This sequence change replaces isoleucine with valine at codon 295 of the RELN protein (p.Ile295Val). The isoleucine residue is moderately conserved and there is a small physicochemical difference between isoleucine and valine.